The following is an entry in ClinVar:

NM_015378.4(VPS13D):c.1129G>A (p.Glu377Lys)

Gene: VPS13D (vacuolar protein sorting 13 homolog D; plus strand). Cytogenetic location: 1p36.22.
Variant type: single nucleotide variant.
Coding change: c.1129G>A on transcript NM_015378.4 (MANE Select); coding-DNA position 1129, G replaced by A.
Protein change: p.Glu377Lys; replaces glutamic acid 377 with lysine.
Molecular consequence: missense variant.
Genome position (GRCh38, 1-based): chr1:12,260,711, G>A. VCF-style: chr1-12260711-G-A. GRCh37 (hg19) VCF-style: chr1-12320768-G-A.
Other names: c.1129G>A, p.Glu377Lys (NM_018156.4); short protein forms E377K.
Identifiers: ClinVar variation 1517071 (VCV001517071.6), dbSNP rs1433928574, ClinGen allele CA338462359.

ClinVar aggregate classification (germline): Uncertain significance (1 of 4 stars; one submission).

Submission:

Labcorp Genetics (formerly Invitae), Labcorp
Classification: Uncertain significance. Last evaluated: 2021-04-29. Review status: criteria provided, single submitter. Criteria: Invitae Variant Classification Sherloc (09022015). Collection method: clinical testing. Allele origin: germline.
Comment: In summary, the available evidence is currently insufficient to determine the role of this variant in disease. Therefore, it has been classified as a Variant of Uncertain Significance. Algorithms developed to predict the effect of missense changes on protein structure and function are either unavailable or do not agree on the potential impact of this missense change (SIFT: "Not Available"; PolyPhen-2: "Probably Damaging"; Align-GVGD: "Not Available"). This variant has not been reported in the literature in individuals with VPS13D-related conditions. This variant is not present in population databases (ExAC no frequency). This sequence change replaces glutamic acid with lysine at codon 377 of the VPS13D protein (p.Glu377Lys). The glutamic acid residue is moderately conserved and there is a small physicochemical difference between glutamic acid and lysine.